The following is an entry in ClinVar:

ClinVar aggregate classification (germline): Uncertain significance (1 of 4 stars; one submission).

Allele frequency attached by ClinVar (database versions not stated): gnomAD 0.00001; TOPMed 0.00002.
gnomAD v4.1: 1 of 1,612,500 alleles (0.000062%); highest among the groups gnomAD compares: African/African-American, 0.0013%; no homozygotes.

Submission:

Labcorp Genetics (formerly Invitae), Labcorp
Classification: Uncertain significance. Last evaluated: 2023-11-13. Review status: criteria provided, single submitter. Criteria: Invitae Variant Classification Sherloc (09022015). Collection method: clinical testing. Allele origin: germline.
Comment: This sequence change replaces alanine, which is neutral and non-polar, with valine, which is neutral and non-polar, at codon 615 of the EMC1 protein (p.Ala615Val). This variant is not present in population databases (gnomAD no frequency). This variant has not been reported in the literature in individuals affected with EMC1-related conditions. ClinVar contains an entry for this variant (Variation ID: 1396633). Advanced modeling of protein sequence and biophysical properties (such as structural, functional, and spatial information, amino acid conservation, physicochemical variation, residue mobility, and thermodynamic stability) performed at Invitae indicates that this missense variant is not expected to disrupt EMC1 protein function with a negative predictive value of 80%. In summary, the available evidence is currently insufficient to determine the role of this variant in disease. Therefore, it has been classified as a Variant of Uncertain Significance.

NM_015047.3(EMC1):c.1844C>T (p.Ala615Val)

Genes: EMC1 (ER membrane protein complex subunit 1; minus strand), EMC1-AS1 (EMC1 antisense RNA 1; plus strand). Cytogenetic location: 1p36.13.
Variant type: single nucleotide variant.
Coding change: c.1844C>T on transcript NM_015047.3 (MANE Select); coding-DNA position 1844, C replaced by T.
Protein change: p.Ala615Val; replaces alanine 615 with valine.
Molecular consequence: missense variant.
Genome position (GRCh38, 1-based): chr1:19,231,361, G>A on the plus strand (C>T on the coding strand, the complement: EMC1 is on the minus strand). VCF-style: chr1-19231361-G-A. GRCh37 (hg19) VCF-style: chr1-19557855-G-A.
Other names: c.1841C>T, p.Ala614Val (NM_001271427.2, NM_001271428.2); c.1778C>T, p.Ala593Val (NM_001271429.2); c.1853C>T, p.Ala618Val (NM_001375820.1); c.1850C>T, p.Ala617Val (NM_001375821.1); short protein forms A593V, A614V, A615V, A618V, A617V.
Identifiers: ClinVar variation 1396633 (VCV001396633.6), dbSNP rs966605939, ClinGen allele CA18815142.